The following is an entry in ClinVar:

NM_002432.3(MNDA):c.527C>T (p.Pro176Leu)

Gene: MNDA (myeloid cell nuclear differentiation antigen; plus strand). Cytogenetic location: 1q23.1.
Variant type: single nucleotide variant.
Coding change: c.527C>T on transcript NM_002432.3 (MANE Select); coding-DNA position 527, C replaced by T.
Protein change: p.Pro176Leu; replaces proline 176 with leucine.
Molecular consequence: missense variant.
Genome position (GRCh38, 1-based): chr1:158,844,079, C>T. VCF-style: chr1-158844079-C-T. GRCh37 (hg19) VCF-style: chr1-158813869-C-T.
Other names: short protein forms P176L.
Identifiers: ClinVar variation 1746548 (VCV001746548.2), dbSNP rs866225535, ClinGen allele CA343039379.

ClinVar aggregate classification (germline): Uncertain significance (1 of 4 stars; one submission).

gnomAD v4.1: 1 of 1,608,148 alleles (0.000062%); highest among the groups gnomAD compares: Non-Finnish European, 0.000085%; no homozygotes.

Submission:

Ambry Genetics
Classification: Uncertain significance. Last evaluated: 2022-03-29. Review status: criteria provided, single submitter. Criteria: Ambry Variant Classification Scheme 2023. Collection method: clinical testing. Allele origin: germline.
Comment: The p.P176L variant (also known as c.527C>T), located in coding exon 3 of the MNDA gene, results from a C to T substitution at nucleotide position 527. The proline at codon 176 is replaced by leucine, an amino acid with similar properties. This amino acid position is conserved. In addition, this alteration is predicted to be tolerated by in silico analysis. Since supporting evidence is limited at this time, the clinical significance of this alteration remains unclear.